The following is an entry in ClinVar:

ClinVar aggregate classification (germline): Likely benign. Review status: criteria provided, single submitter (1 of 4 stars). 2 submissions from 2 submitters: Likely benign (1). 1 of the submissions does not count toward it. Last evaluated 2019-12-31.

Conditions:
CFAP44-related disorder. Also called: CFAP44-related condition.

Allele frequency attached by ClinVar (database versions not stated): gnomAD exomes 0.00002 and 0.00006; TOPMed 0.00002; gnomAD 0.00004.
gnomAD v4.1: 40 of 1,536,776 alleles (0.0026%); highest among the groups gnomAD compares: Non-Finnish European, 0.0034%; 1 homozygote.

Submissions (2):

Labcorp Genetics (formerly Invitae), Labcorp
Classification: Likely benign. Last evaluated: 2019-12-31. Review status: criteria provided, single submitter. Criteria: Invitae Variant Classification Sherloc (09022015). Collection method: clinical testing. Allele origin: germline.

PreventionGenetics, part of Exact Sciences
Classification: Likely benign for CFAP44-related condition. Last evaluated: 2019-04-03. Review status: no assertion criteria provided. Collection method: clinical testing. Allele origin: germline. Not counted in ClinVar's aggregate classification.
Comment: This variant is classified as likely benign based on ACMG/AMP sequence variant interpretation guidelines (Richards et al. 2015 PMID: 25741868, with internal and published modifications).

NM_001164496.2(CFAP44):c.2976A>G (p.Arg992=)

Genes: CFAP44 (cilia and flagella associated protein 44; minus strand), SPICE1-CFAP44 (SPICE1-CFAP44 readthrough (NMD candidate); minus strand). Cytogenetic location: 3q13.2.
Variant type: single nucleotide variant.
Coding change: c.2976A>G on transcript NM_001164496.2 (MANE Select); coding-DNA position 2976, A replaced by G.
Protein change: p.Arg992=; no amino-acid change (arginine 992 retained).
Molecular consequence: synonymous variant.
Genome position (GRCh38, 1-based): chr3:113,358,834, T>C on the plus strand (A>G on the coding strand, the complement: CFAP44 is on the minus strand). VCF-style: chr3-113358834-T-C. GRCh37 (hg19) VCF-style: chr3-113077681-T-C.
Identifiers: ClinVar variation 731431 (VCV000731431.6), dbSNP rs1040176702, ClinGen allele CA81531503.